The following is an entry in ClinVar:

ClinVar aggregate classification (germline): Uncertain significance (1 of 4 stars; one submission).

Conditions:
Deficiency of adenosine deaminase 2. Also called: Polyarteritis nodosa, childhoood-onset; Adenosine Deaminase 2 Deficiency; VASCULITIS, AUTOINFLAMMATION, IMMUNODEFICIENCY, AND HEMATOLOGIC DEFECTS SYNDROME. Identifiers: Orphanet 404553, MedGen C3887654, MONDO:0014306, OMIM 615688, MONDO:0100317.

Submission:

Labcorp Genetics (formerly Invitae), Labcorp
Classification: Uncertain significance for Deficiency of adenosine deaminase 2. Last evaluated: 2020-07-15. Review status: criteria provided, single submitter. Criteria: Invitae Variant Classification Sherloc (09022015). Collection method: clinical testing. Allele origin: germline.
Comment: This variant results in a copy number gain of the genomic region encompassing exon(s) 5-10 of the ADA2 gene. The 5' boundary is likely confined to intron 4. The 3' end of this event is unknown as it extends beyond the assayed region for this gene and therefore may encompass additional genes. As the precise location of this event is unknown, it may be in tandem or it may be located elsewhere in the genome. This variant has not been reported in the literature in individuals with ADA2-related conditions. Experimental studies and prediction algorithms are not available or were not evaluated, and the functional significance of this variant is currently unknown. In summary, the available evidence is currently insufficient to determine the role of this variant in disease. Therefore, it has been classified as a Variant of Uncertain Significance.

NC_000022.10:g.(?_17565962)_(17672720_?)dup

Genes: ADA2 (adenosine deaminase 2; minus strand), HDHD5 (haloacid dehalogenase like hydrolase domain containing 5; minus strand), IL17RA (interleukin 17 receptor A; plus strand), TMEM121B (transmembrane protein 121B; minus strand). Cytogenetic location: 22q11.1.
Variant type: Duplication.
Identifiers: ClinVar variation 1003420 (VCV001003420.1).